The following is an entry in ClinVar:

ClinVar aggregate classification (germline): Benign/Likely benign. Review status: criteria provided, multiple submitters, no conflicts (2 of 4 stars). 8 submissions from 8 submitters: Benign (4); Likely benign (3). 1 of the submissions does not count toward it. Last evaluated 2026-02-03.

Conditions:
Knobloch syndrome (KNO). Also called: RETINAL DETACHMENT AND OCCIPITAL ENCEPHALOCELE; Myopia retinal detachment encephalocele. Identifiers: Orphanet 1571, MedGen C1849409, MONDO:0800166.

Allele frequency attached by ClinVar (database versions not stated): 1000 Genomes Project 0.02756; 1000 Genomes Project 30x 0.02904; ESP Exome Variant Server 0.01888; gnomAD 0.02268 and 0.02347; TOPMed 0.02271.
gnomAD v4.1: 40,717 of 1,607,824 alleles (2.5%); highest among the groups gnomAD compares: South Asian, 4.3%; 640 homozygotes.

Submissions (8):

Labcorp Genetics (formerly Invitae), Labcorp
Classification: Benign. Last evaluated: 2026-02-03. Review status: criteria provided, single submitter. Criteria: Invitae Variant Classification Sherloc (09022015). Collection method: clinical testing. Allele origin: germline.

Blueprint Genetics
Classification: Benign. Last evaluated: 2024-11-28. Review status: criteria provided, single submitter. Criteria: ACMG Guidelines, 2015. Collection method: clinical testing. Allele origin: germline.

GeneDx
Classification: Likely benign. Last evaluated: 2021-05-04. Review status: criteria provided, single submitter. Criteria: GeneDx Variant Classification Process June 2021. Collection method: clinical testing. Allele origin: germline. Affected: yes.
Comment: See Variant Classification Assertion Criteria.

Illumina Laboratory Services, Illumina
Classification: Benign for Knobloch syndrome 1. Last evaluated: 2018-01-13. Review status: criteria provided, single submitter. Criteria: ICSL Variant Classification Criteria 13 December 2019. Collection method: clinical testing. Allele origin: germline.
Comment: This variant was observed in the ICSL laboratory as part of a predisposition screen in an ostensibly healthy population. It had not been previously curated by ICSL or reported in the Human Gene Mutation Database (HGMD: prior to June 1st, 2018), and was therefore a candidate for classification through an automated scoring system. Utilizing variant allele frequency, disease prevalence and penetrance estimates, and inheritance mode, an automated score was calculated to assess if this variant is too frequent to cause the disease. Based on the score and internal cut-off values, a variant classified as benign is not then subjected to further curation. The score for this variant resulted in a classification of benign for this disease.

Clinical Genetics DNA and cytogenetics Diagnostics Lab, Erasmus MC, Erasmus Medical Center
Classification: Likely benign for Knobloch syndrome 1. Last evaluated: 2015-09-21. Review status: criteria provided, single submitter. Criteria: ACGS Guidelines, 2013. Collection method: clinical testing. Allele origin: germline. Affected: yes. Study: VKGL Data-share Consensus.

Breakthrough Genomics
Classification: Likely benign. Review status: criteria provided, single submitter. Criteria: ACMG Guidelines, 2015. Collection method: not provided. Allele origin: germline. Inheritance: Autosomal recessive inheritance. Affected: yes.

PreventionGenetics, part of Exact Sciences
Classification: Benign. Review status: criteria provided, single submitter. Criteria: ACMG Guidelines, 2015. Collection method: clinical testing. Allele origin: germline.

Genome Diagnostics Laboratory, Amsterdam University Medical Center
Classification: Benign for Knobloch syndrome 1. Last evaluated: 2017-01-23. Review status: no assertion criteria provided. Criteria: ACGS Guidelines, 2013. Collection method: clinical testing. Allele origin: germline. Affected: yes. Study: VKGL Data-share Consensus. Not counted in ClinVar's aggregate classification.

NM_001379500.1(COL18A1):c.2781C>T (p.Pro927=)

Genes: COL18A1 (collagen type XVIII alpha 1 chain; plus strand), SLC19A1 (solute carrier family 19 member 1; minus strand). Cytogenetic location: 21q22.3.
Variant type: single nucleotide variant.
Coding change: c.2781C>T on transcript NM_001379500.1 (MANE Select); coding-DNA position 2781, C replaced by T.
Protein change: p.Pro927=; no amino-acid change (proline 927 retained).
Molecular consequence: synonymous variant.
Genome position (GRCh38, 1-based): chr21:45,504,469, C>T. VCF-style: chr21-45504469-C-T. GRCh37 (hg19) VCF-style: chr21-46924383-C-T.
Other names: NM_130445.2:c.2781C>T; c.3321C>T, p.Pro1107= (NM_030582.4); c.4026C>T, p.Pro1342= (NM_130444.3).
Identifiers: ClinVar variation 261906 (VCV000261906.19), dbSNP rs11544970, ClinGen allele CA10067462.